The following is an entry in ClinVar:

ClinVar aggregate classification (germline): Uncertain significance (1 of 4 stars; one submission).

Submission:

Athena Diagnostics
Classification: Uncertain significance. Last evaluated: 2022-11-10. Review status: criteria provided, single submitter. Criteria: Athena Diagnostics Criteria. Collection method: clinical testing. Allele origin: unknown.
Comment: Available data are insufficient to determine the clinical significance of the variant at this time. The frequency of this variant in the general population is uninformative in assessment of its pathogenicity. This variant is expected to result in a premature termination and therefore the loss of a functional protein. However, the clinical relevance of such variants in this gene has not been established.

NM_018319.4(TDP1):c.1611C>G (p.Tyr537Ter)

Gene: TDP1 (tyrosyl-DNA phosphodiesterase 1; plus strand). Cytogenetic location: 14q32.11.
Variant type: single nucleotide variant.
Coding change: c.1611C>G on transcript NM_018319.4 (MANE Select); coding-DNA position 1611, C replaced by G.
Protein change: p.Tyr537Ter; replaces tyrosine 537 with a stop codon.
Molecular consequence: nonsense.
Genome position (GRCh38, 1-based): chr14:90,019,385, C>G. VCF-style: chr14-90019385-C-G. GRCh37 (hg19) VCF-style: chr14-90485729-C-G.
Other names: c.1611C>G, p.Tyr537Ter (NM_001008744.2, NM_001330205.2); short protein forms Y537*.
Identifiers: ClinVar variation 631546 (VCV000631546.5), dbSNP rs772318046, ClinGen allele CA7304022.